The following is an entry in ClinVar:

NM_002473.6(MYH9):c.5181G>A (p.Leu1727=)

Gene: MYH9 (myosin heavy chain 9; minus strand). Cytogenetic location: 22q12.3.
Variant type: single nucleotide variant.
Coding change: c.5181G>A on transcript NM_002473.6 (MANE Select); coding-DNA position 5181, G replaced by A.
Protein change: p.Leu1727=; no amino-acid change (leucine 1727 retained).
Molecular consequence: synonymous variant.
Genome position (GRCh38, 1-based): chr22:36,285,751, C>T on the plus strand (G>A on the coding strand, the complement: MYH9 is on the minus strand). VCF-style: chr22-36285751-C-T. GRCh37 (hg19) VCF-style: chr22-36681797-C-T.
Identifiers: ClinVar variation 226752 (VCV000226752.45), dbSNP rs115170675, ClinGen allele CA10209126.

ClinVar aggregate classification (germline): Benign/Likely benign. Review status: criteria provided, multiple submitters, no conflicts (2 of 4 stars). 8 submissions from 8 submitters: Benign (3); Likely benign (5). Last evaluated 2026-01-12.

Allele frequency attached by ClinVar (database versions not stated): gnomAD exomes 0.00027 and 0.00077; ExAC 0.00107; gnomAD 0.00275 and 0.00292; ESP Exome Variant Server 0.00284; TOPMed 0.00312; 1000 Genomes Project 0.00439; 1000 Genomes Project 30x 0.00468.
gnomAD v4.1: 835 of 1,611,130 alleles (0.052%); highest among the groups gnomAD compares: African/African-American, 0.96%; 7 homozygotes.

Submissions (8):

Labcorp Genetics (formerly Invitae), Labcorp
Classification: Benign. Last evaluated: 2026-01-12. Review status: criteria provided, single submitter. Criteria: Invitae Variant Classification Sherloc (09022015). Collection method: clinical testing. Allele origin: germline.

ARUP Laboratories, Molecular Genetics and Genomics, ARUP Laboratories
Classification: Benign. Last evaluated: 2024-12-20. Review status: criteria provided, single submitter. Criteria: ARUP Molecular Germline Variant Investigation Process 2024. Collection method: clinical testing. Allele origin: germline.

Blueprint Genetics
Classification: Likely benign. Last evaluated: 2024-11-27. Review status: criteria provided, single submitter. Criteria: ACMG Guidelines, 2015. Collection method: clinical testing. Allele origin: germline.

CeGaT Center for Human Genetics Tuebingen
Classification: Likely benign. Last evaluated: 2022-11-01. Review status: criteria provided, single submitter. Criteria: CeGaT Center For Human Genetics Tuebingen Variant Classification Criteria Version 2. Collection method: clinical testing. Allele origin: germline. Affected: yes. Observed: 2 variant alleles.
Comment: MYH9: BP4, BP7, BS2

GeneDx
Classification: Likely benign. Last evaluated: 2021-03-12. Review status: criteria provided, single submitter. Criteria: GeneDx Variant Classification Process June 2021. Collection method: clinical testing. Allele origin: germline. Affected: yes.

Laboratory for Molecular Medicine, Mass General Brigham Personalized Medicine
Classification: Benign. Last evaluated: 2012-05-07. Review status: criteria provided, single submitter. Criteria: LMM Criteria. Collection method: clinical testing. Allele origin: germline. Observed: 6 variant alleles.
Comment: "Leu1727Leu in Exon 37 of MYH9: This variant is not expected to have clinical si gnificance because it does not alter an amino acid residue, is not located withi n the splice consensus sequence, and has been identified in 0.8% (30/3738) of Af rican American chromosomes from a broad population by the NHLBI Exome Sequencing Project (dbSNP rs115170675)."

Breakthrough Genomics
Classification: Likely benign. Review status: criteria provided, single submitter. Criteria: ACMG Guidelines, 2015. Collection method: not provided. Allele origin: germline. Inheritance: Autosomal dominant inheritance. Affected: yes.

PreventionGenetics, part of Exact Sciences
Classification: Likely benign. Review status: criteria provided, single submitter. Criteria: ACMG Guidelines, 2015. Collection method: clinical testing. Allele origin: germline.